The following is an entry in ClinVar:

ClinVar aggregate classification (germline): Uncertain significance (1 of 4 stars; one submission).

Conditions:
Hypertrophic cardiomyopathy 26. Also called: Cardiomyopathy, familial hypertrophic, 26. Identifiers: Orphanet 75249, MedGen C4310749, MONDO:0014883, OMIM 617047.
Dilated Cardiomyopathy, Dominant.
Distal myopathy with posterior leg and anterior hand involvement. Also called: WILLIAMS DISTAL MYOPATHY. Identifiers: Orphanet 63273, MedGen C3279722, MONDO:0013550, OMIM 614065.
Myofibrillar myopathy 5. Also called: Filaminopathy (type); FILAMINOPATHY, AUTOSOMAL DOMINANT. Identifiers: Orphanet 171445, MedGen C1836050, MONDO:0012289, OMIM 609524.

Allele frequency attached by ClinVar (database versions not stated): ExAC 0.00001; gnomAD 0.00001; gnomAD exomes 0.00001; TOPMed 0.00001.
gnomAD v4.1: 20 of 1,613,240 alleles (0.0012%); highest among the groups gnomAD compares: Non-Finnish European, 0.0017%; no homozygotes.

Submission:

Labcorp Genetics (formerly Invitae), Labcorp
Classification: Uncertain significance for Distal myopathy with posterior leg and anterior hand involvement; Myofibrillar myopathy 5; Hypertrophic cardiomyopathy 26. Last evaluated: 2024-12-09. Review status: criteria provided, single submitter. Criteria: Invitae Variant Classification Sherloc (09022015). Collection method: clinical testing. Allele origin: germline.
Comment: This sequence change falls in intron 39 of the FLNC gene. It does not directly change the encoded amino acid sequence of the FLNC protein. It affects a nucleotide within the consensus splice site. This variant is present in population databases (rs764061858, gnomAD 0.002%). This variant has not been reported in the literature in individuals affected with FLNC-related conditions. ClinVar contains an entry for this variant (Variation ID: 1056965). Variants that disrupt the consensus splice site are a relatively common cause of aberrant splicing (PMID: 17576681, 9536098). Algorithms developed to predict the effect of sequence changes on RNA splicing suggest that this variant is not likely to affect RNA splicing. In summary, the available evidence is currently insufficient to determine the role of this variant in disease. Therefore, it has been classified as a Variant of Uncertain Significance.

Literature cited by the submitters: PubMed 17576681; PubMed 9536098.

NM_001458.5(FLNC):c.6484+6A>T

Genes: FLNC (filamin C; plus strand), FLNC-AS1 (FLNC antisense RNA 1; minus strand). Cytogenetic location: 7q32.1.
Variant type: single nucleotide variant.
Coding change: c.6484+6A>T on transcript NM_001458.5 (MANE Select); 6 bases into the intron after coding-DNA position 6484, A replaced by T.
Molecular consequence: intron variant.
Genome position (GRCh38, 1-based): chr7:128,853,843, A>T. VCF-style: chr7-128853843-A-T. GRCh37 (hg19) VCF-style: chr7-128493897-A-T.
Other names: c.6385+6A>T (NM_001127487.2).
Identifiers: ClinVar variation 1056965 (VCV001056965.6), dbSNP rs764061858, ClinGen allele CA4475984.
Genomic context (GRCh38, chr7:128,853,843, plus strand): 5'-GCACCTTCCATCGCCACCATCGGCAGCACCTGTGACCTCAACCTCAAGATCCCAGGTAGA[A>T]GCCTGGAGGACCCTGGGTGGGGCGGGTGGTGGGAGAGGGCTGGCCCGGGCCAGAGCCCAC-3'